The following is an entry in ClinVar:

ClinVar aggregate classification (germline): Benign/Likely benign. Review status: criteria provided, multiple submitters, no conflicts (2 of 4 stars). 4 submissions from 4 submitters: Benign (2); Likely benign (1). 1 of the submissions does not count toward it. Last evaluated 2026-01-05.

Conditions:
RGS9BP-related disorder. Also called: RGS9BP-related condition.

Allele frequency attached by ClinVar (database versions not stated): gnomAD exomes 0.00016 and 0.00044; ExAC 0.00052; 1000 Genomes Project 0.00160; 1000 Genomes Project 30x 0.00172; ESP Exome Variant Server 0.00187; TOPMed 0.00204; gnomAD 0.00206 and 0.00210.
gnomAD v4.1: 552 of 1,601,670 alleles (0.034%); highest among the groups gnomAD compares: African/African-American, 0.68%; 1 homozygote.

Submissions (4):

Labcorp Genetics (formerly Invitae), Labcorp
Classification: Benign. Last evaluated: 2026-01-05. Review status: criteria provided, single submitter. Criteria: Invitae Variant Classification Sherloc (09022015). Collection method: clinical testing. Allele origin: germline.

Blueprint Genetics
Classification: Likely benign. Last evaluated: 2024-10-09. Review status: criteria provided, single submitter. Criteria: ACMG Guidelines, 2015. Collection method: clinical testing. Allele origin: germline.

Breakthrough Genomics
Classification: Benign. Review status: criteria provided, single submitter. Criteria: ACMG Guidelines, 2015. Collection method: not provided. Allele origin: germline. Inheritance: Unknown mechanism. Affected: yes.

PreventionGenetics, part of Exact Sciences
Classification: Likely benign for RGS9BP-related condition. Last evaluated: 2019-09-13. Review status: no assertion criteria provided. Collection method: clinical testing. Allele origin: germline. Not counted in ClinVar's aggregate classification.
Comment: This variant is classified as likely benign based on ACMG/AMP sequence variant interpretation guidelines (Richards et al. 2015 PMID: 25741868, with internal and published modifications).

NM_207391.3(RGS9BP):c.30G>A (p.Leu10=)

Gene: RGS9BP (regulator of G protein signaling 9 binding protein; plus strand). Cytogenetic location: 19q13.11.
Variant type: single nucleotide variant.
Coding change: c.30G>A on transcript NM_207391.3 (MANE Select); coding-DNA position 30, G replaced by A.
Protein change: p.Leu10=; no amino-acid change (leucine 10 retained).
Molecular consequence: synonymous variant.
Genome position (GRCh38, 1-based): chr19:32,676,293, G>A. VCF-style: chr19-32676293-G-A. GRCh37 (hg19) VCF-style: chr19-33167199-G-A.
Identifiers: ClinVar variation 713390 (VCV000713390.15), dbSNP rs143738261, ClinGen allele CA9357485.